The following is an entry in ClinVar:

NM_052874.5(STX1B):c.811T>C (p.Cys271Arg)

Gene: STX1B (syntaxin 1B; minus strand). Cytogenetic location: 16p11.2.
Variant type: single nucleotide variant.
Coding change: c.811T>C on transcript NM_052874.5 (MANE Select); coding-DNA position 811, T replaced by C.
Protein change: p.Cys271Arg; replaces cysteine 271 with arginine.
Molecular consequence: missense variant.
Genome position (GRCh38, 1-based): chr16:30,992,877, A>G on the plus strand (T>C on the coding strand, the complement: STX1B is on the minus strand). VCF-style: chr16-30992877-A-G. GRCh37 (hg19) VCF-style: chr16-31004198-A-G.
Other names: short protein forms C271R.
Identifiers: ClinVar variation 3764316 (VCV003764316.3).

ClinVar aggregate classification (germline): Uncertain significance. Review status: criteria provided, multiple submitters, no conflicts (2 of 4 stars). 2 submissions from 2 submitters: Uncertain significance (2). Last evaluated 2026-04-22.

Conditions:
Generalized epilepsy with febrile seizures plus, type 9 (GEFSP9). Also called: GEFS+, TYPE 9. Identifiers: Orphanet 36387, MedGen C4015395, MONDO:0014517, OMIM 616172.

Submissions (2):

GeneDx
Classification: Uncertain significance. Last evaluated: 2026-04-22. Review status: criteria provided, single submitter. Criteria: GeneDx Variant Classification Process June 2021. Collection method: clinical testing. Allele origin: germline.
Comment: Not observed at significant frequency in large population cohorts (gnomAD); In silico analysis supports that this missense variant has a deleterious effect on protein structure/function; Has not been previously published as pathogenic or benign to our knowledge

Labcorp Genetics (formerly Invitae), Labcorp
Classification: Uncertain significance for Generalized epilepsy with febrile seizures plus, type 9. Last evaluated: 2025-07-30. Review status: criteria provided, single submitter. Criteria: Invitae Variant Classification Sherloc (09022015). Collection method: clinical testing. Allele origin: germline.
Comment: This sequence change replaces cysteine, which is neutral and slightly polar, with arginine, which is basic and polar, at codon 271 of the STX1B protein (p.Cys271Arg). This variant is not present in population databases (gnomAD no frequency). This variant has not been reported in the literature in individuals affected with STX1B-related conditions. ClinVar contains an entry for this variant (Variation ID: 3764316). Invitae Evidence Modeling of protein sequence and biophysical properties (such as structural, functional, and spatial information, amino acid conservation, physicochemical variation, residue mobility, and thermodynamic stability) indicates that this missense variant is not expected to disrupt STX1B protein function with a negative predictive value of 80%. In summary, the available evidence is currently insufficient to determine the role of this variant in disease. Therefore, it has been classified as a Variant of Uncertain Significance.